The following is an entry in ClinVar:

ClinVar aggregate classification (germline): Likely benign (1 of 4 stars; one submission).

gnomAD v4.1: 95 of 1,535,550 alleles (0.0062%); highest among the groups gnomAD compares: Non-Finnish European, 0.0007%; no homozygotes.

Submission:

CeGaT Center for Human Genetics Tuebingen
Classification: Likely benign. Last evaluated: 2026-07-01. Review status: criteria provided, single submitter. Criteria: CeGaT Center For Human Genetics Tuebingen Variant Classification Criteria Version 2. Collection method: clinical testing. Allele origin: germline. Affected: yes. Observed: 1 variant allele.
Comment: DOHH: BP4, BP7

NM_001145165.2(DOHH):c.864C>T (p.Phe288=)

Gene: DOHH (deoxyhypusine hydroxylase; minus strand). Cytogenetic location: 19p13.3.
Variant type: single nucleotide variant.
Coding change: c.864C>T on transcript NM_001145165.2 (MANE Select); coding-DNA position 864, C replaced by T.
Protein change: p.Phe288=; no amino-acid change (phenylalanine 288 retained).
Molecular consequence: synonymous variant.
Genome position (GRCh38, 1-based): chr19:3,491,537, G>A on the plus strand (C>T on the coding strand, the complement: DOHH is on the minus strand). VCF-style: chr19-3491537-G-A. GRCh37 (hg19) VCF-style: chr19-3491535-G-A.
Other names: c.864C>T, p.Phe288= (NM_031304.5).
Identifiers: ClinVar variation 5039134 (VCV005039134.1).